The following is an entry in ClinVar:

ClinVar aggregate classification (germline): Uncertain significance (1 of 4 stars; one submission).

Conditions:
Hereditary cancer-predisposing syndrome. Also called: Neoplastic Syndromes, Hereditary; Tumor predisposition; Hereditary Cancer Syndrome; Hereditary neoplastic syndrome. Identifiers: Orphanet 140162, MedGen C0027672, MeSH D009386, MONDO:0015356.

gnomAD v4.1: 1 of 1,613,862 alleles (0.000062%); highest among the groups gnomAD compares: Non-Finnish European, 0.000085%; no homozygotes.

Submission:

Ambry Genetics
Classification: Uncertain significance for Hereditary cancer-predisposing syndrome. Last evaluated: 2026-03-17. Review status: criteria provided, single submitter. Criteria: Ambry Variant Classification Scheme 2023. Collection method: clinical testing. Allele origin: germline.
Comment: The p.G286R variant (also known as c.856G>A), located in coding exon 5 of the KIT gene, results from a G to A substitution at nucleotide position 856. The glycine at codon 286 is replaced by arginine, an amino acid with dissimilar properties. This amino acid position is highly conserved in available vertebrate species. In addition, the in silico prediction for this alteration is inconclusive. Based on the available evidence, the clinical significance of this variant remains unclear.

NM_000222.3(KIT):c.856G>A (p.Gly286Arg)

Gene: KIT (KIT proto-oncogene, receptor tyrosine kinase; plus strand). Cytogenetic location: 4q12.
Variant type: single nucleotide variant.
Coding change: c.856G>A on transcript NM_000222.3 (MANE Select); coding-DNA position 856, G replaced by A.
Protein change: p.Gly286Arg; replaces glycine 286 with arginine.
Molecular consequence: missense variant.
Genome position (GRCh38, 1-based): chr4:54,703,823, G>A. VCF-style: chr4-54703823-G-A. GRCh37 (hg19) VCF-style: chr4-55569989-G-A.
Other names: c.856G>A, p.Gly286Arg (NM_001093772.2, NM_001385285.1, NM_001385286.1); c.859G>A, p.Gly287Arg (NM_001385284.1, NM_001385288.1, NM_001385290.1 and 1 more transcripts); short protein forms G286R, G287R.
Identifiers: ClinVar variation 4858923 (VCV004858923.1).
Genomic context (GRCh38, chr4:54,703,823, plus strand): 5'-GACTTCAATTATGAACGTCAGGCAACGTTGACTATCAGTTCAGCGAGAGTTAATGATTCT[G>A]GAGTGTTCATGTGTTATGCCAATAATACTTTTGGATCAGCAAATGTCACAACAACCTTGG-3'
Protein context (NP_000213.1, residues 276-296): TISSARVNDS[Gly286Arg]VFMCYANNTF